The following is an entry in ClinVar:

NM_170707.4(LMNA):c.1232del (p.Gly411fs)

Gene: LMNA (lamin A/C; plus strand). Cytogenetic location: 1q22.
Variant type: Deletion.
Coding change: c.1232del on transcript NM_170707.4 (MANE Select); coding-DNA position 1232, one base deleted (G; older notation c.1232delG).
Protein change: p.Gly411fs; shifts the reading frame from glycine 411.
Molecular consequence: frameshift variant.
Genome position (GRCh38, 1-based): chr1:156,136,288, G deleted; the last of 3 consecutive G bases (chr1:156,136,286-156,136,288); deleting any one gives the same sequence. VCF-style (leftmost placement, unchanged base first): chr1-156136285-AG-A. GRCh37 (hg19) VCF-style: chr1-156106076-AG-A.
Other names: c.1232delG (NM_170707.3, NM_170707.2); c.896del, p.Gly299fs (NM_001257374.3); c.989del, p.Gly330fs (NM_001282624.2); c.1232del, p.Gly411fs (NM_001282625.2, NM_001282626.2, NM_005572.4 and 1 more transcripts); short protein forms G299fs, G330fs, G411fs.
Identifiers: ClinVar variation 1069958 (VCV001069958.9), dbSNP rs2102889960, ClinGen allele CA2499214215.

ClinVar aggregate classification (germline): Pathogenic/Likely pathogenic. Review status: criteria provided, multiple submitters, no conflicts (2 of 4 stars). 3 submissions from 3 submitters: Pathogenic (2); Likely pathogenic (1). Last evaluated 2026-07-06.

Conditions:
Charcot-Marie-Tooth disease type 2. Also called: Charcot-Marie-Tooth type 2. Identifiers: Orphanet 64746, MedGen C0270914, MONDO:0018993.
LMNA-related disorder. Also called: LMNA-related condition; LMNA-related disease; LMNA-related disorders. Identifiers: MedGen CN380145.
Cardiovascular phenotype. Identifiers: MedGen CN230736.

Submissions (3):

Ambry Genetics
Classification: Pathogenic for Cardiovascular phenotype. Last evaluated: 2026-07-06. Review status: criteria provided, single submitter. Criteria: Ambry Variant Classification Scheme 2023. Collection method: clinical testing. Allele origin: germline.
Comment: The c.1232delG pathogenic mutation, located in coding exon 7 of the LMNA gene, results from a deletion of one nucleotide at nucleotide position 1232, causing a translational frameshift with a predicted alternate stop codon (p.G411Vfs*69). This variant was reported in individual(s) with features consistent with LMNA-related laminopathy (Nishiuchi S et al. Circ Cardiovasc Genet, 2017 Dec;10:). This variant is considered to be rare based on population cohorts in the Genome Aggregation Database (gnomAD). This alteration is expected to result in loss of function by premature protein truncation or nonsense-mediated mRNA decay. As such, this alteration is interpreted as a disease-causing mutation.

Labcorp Genetics (formerly Invitae), Labcorp
Classification: Pathogenic for Charcot-Marie-Tooth disease type 2. Last evaluated: 2025-11-30. Review status: criteria provided, single submitter. Criteria: Invitae Variant Classification Sherloc (09022015). Collection method: clinical testing. Allele origin: germline.
Comment: This sequence change creates a premature translational stop signal (p.Gly411Valfs*69) in the LMNA gene. It is expected to result in an absent or disrupted protein product. Loss-of-function variants in LMNA are known to be pathogenic (PMID: 18585512, 18926329). This variant is not present in population databases (gnomAD no frequency). This variant has not been reported in the literature in individuals affected with LMNA-related conditions. ClinVar contains an entry for this variant (Variation ID: 1069958). For these reasons, this variant has been classified as Pathogenic.

PreventionGenetics, part of Exact Sciences
Classification: Likely pathogenic for LMNA-related condition. Last evaluated: 2024-12-02. Review status: criteria provided, single submitter. Criteria: ACMG Guidelines, 2015. Collection method: clinical testing. Allele origin: germline.
Comment: The LMNA c.1232delG variant is predicted to result in a frameshift and premature protein termination (p.Gly411Valfs*69). To our knowledge, this variant has not been reported in the literature. This variant has not been reported in a large population database (gnomAD), indicating this variant is rare. Frameshift variants in LMNA are expected to be pathogenic. This variant is interpreted as likely pathogenic.

Literature cited by the submitters: PubMed 29237675 (cited by Ambry Genetics); PubMed 18585512 (cited by Labcorp Genetics (formerly Invitae), Labcorp); PubMed 18926329 (cited by Labcorp Genetics (formerly Invitae), Labcorp).